The following is an entry in ClinVar:

NM_020745.4(AARS2):c.1907A>T (p.His636Leu)

Gene: AARS2 (alanyl-tRNA synthetase 2, mitochondrial; minus strand). Cytogenetic location: 6p21.1.
Variant type: single nucleotide variant.
Coding change: c.1907A>T on transcript NM_020745.4 (MANE Select); coding-DNA position 1907, A replaced by T.
Protein change: p.His636Leu; replaces histidine 636 with leucine.
Molecular consequence: missense variant.
Genome position (GRCh38, 1-based): chr6:44,304,281, T>A on the plus strand (A>T on the coding strand, the complement: AARS2 is on the minus strand). VCF-style: chr6-44304281-T-A. GRCh37 (hg19) VCF-style: chr6-44272018-T-A.
Other names: short protein forms H636L.
Identifiers: ClinVar variation 5007066 (VCV005007066.2).

ClinVar aggregate classification (germline): Uncertain significance (1 of 4 stars; one submission).

Conditions:
Combined oxidative phosphorylation defect type 8. Also called: CARDIOMYOPATHY, HYPERTROPHIC MITOCHONDRIAL, FATAL INFANTILE. Identifiers: Orphanet 319504, MedGen C4518839, MONDO:0013570, OMIM 614096.
Leukoencephalopathy, progressive, with ovarian failure (LKENP). Identifiers: Orphanet 99853, MedGen C4014588, MONDO:0014387, OMIM 615889.

Submission:

Juno Genomics, Hangzhou Juno Genomics, Inc
Classification: Uncertain significance for Combined oxidative phosphorylation defect type 8; Leukoencephalopathy, progressive, with ovarian failure. Review status: criteria provided, single submitter. Criteria: ACMG Guidelines, 2015. Collection method: clinical testing. Allele origin: germline.
Comment: Absent from controls (or at extremely low frequency if recessive) in Genome Aggregation Database.;Multiple lines of computational evidence support a deleterious effect on the gene or gene product.